The following is an entry in ClinVar:

ClinVar aggregate classification (germline): Benign (1 of 4 stars; one submission).

Submission:

CeGaT Center for Human Genetics Tuebingen
Classification: Benign. Last evaluated: 2023-01-01. Review status: criteria provided, single submitter. Criteria: CeGaT Center For Human Genetics Tuebingen Variant Classification Criteria Version 2. Collection method: clinical testing. Allele origin: germline. Affected: yes. Observed: 2 variant alleles.
Comment: PITPNM3: BS1, BS2

NM_031220.4(PITPNM3):c.*2381AG[5]

Gene: PITPNM3 (PITPNM family member 3; minus strand). Cytogenetic location: 17p13.2.
Variant type: Microsatellite.
Coding change: c.*2381AG[5] on transcript NM_031220.4 (MANE Select); five copies in a row of the 2-base unit AG starting at c.*2381; the reference has seven copies in a row; two copies, 4 bases deleted.
Molecular consequence: 3 prime UTR variant.
Genome position (GRCh38, 1-based): chr17:6,452,944-6,452,947, CTCT deleted on the plus strand (AGAG on the coding strand, the reverse complement: PITPNM3 is on the minus strand); deleting any 4 consecutive bases within chr17:6,452,944-6,452,957 gives the same sequence; the position shown is the placement nearest the transcript's 3' end. VCF-style (leftmost placement, unchanged base first): chr17-6452943-GCTCT-G. GRCh37 (hg19) VCF-style: chr17-6356263-GCTCT-G.
Other names: c.*2381AG[5] (NM_001165966.2).
Identifiers: ClinVar variation 324696 (VCV000324696.33), dbSNP rs553650590, ClinGen allele CA10646523.
Genomic context (GRCh38, chr17:6,452,943, plus strand): 5'-CCAGAGCCACAGAACCCTGGTCACACTGACTTCAAATTCCCCAGGGATCCTGGCTCATGA[GCTCT>G]CTCTCTCTCTTCCTCTCTCTCTCTCTCTTCCTCTCTCTCTCTCTCTGTCTTCCTTTCTCT-3'